The following is an entry in ClinVar:

NM_000152.5(GAA):c.859-1G>C

Gene: GAA (alpha glucosidase; plus strand). Cytogenetic location: 17q25.3.
Variant type: single nucleotide variant.
Coding change: c.859-1G>C on transcript NM_000152.5 (MANE Select); the canonical splice acceptor site of the intron before coding-DNA position 859, G replaced by C.
Molecular consequence: splice acceptor variant.
Genome position (GRCh38, 1-based): chr17:80,107,799, G>C. VCF-style: chr17-80107799-G-C. GRCh37 (hg19) VCF-style: chr17-78081598-G-C.
Other names: c.859-1G>C (NM_001406741.1, NM_001406742.1, NM_001079803.3 and 1 more transcripts).
Identifiers: ClinVar variation 2764469 (VCV002764469.4), dbSNP rs2510359114, ClinGen allele CA401363793.

ClinVar aggregate classification (germline): Likely pathogenic. Review status: criteria provided, multiple submitters, no conflicts (2 of 4 stars). 2 submissions from 2 submitters: Likely pathogenic (2). Last evaluated 2023-10-11.

Conditions:
Glycogen storage disease, type II (IOPD). Also called: GLYCOGENOSIS, GENERALIZED, CARDIAC FORM; GSD II; POMPE DISEASE, INFANTILE-ONSET; GLYCOGEN STORAGE DISEASE II, INFANTILE-ONSET; ACID ALPHA-GLUCOSIDASE DEFICIENCY, INFANTILE-ONSET; GAA DEFICIENCY, INFANTILE-ONSET. Identifiers: Orphanet 365, MedGen C0017921, MONDO:0009290, OMIM 232300.

Submissions (2):

Labcorp Genetics (formerly Invitae), Labcorp
Classification: Likely pathogenic for Glycogen storage disease, type II. Last evaluated: 2023-10-11. Review status: criteria provided, single submitter. Criteria: Invitae Variant Classification Sherloc (09022015). Collection method: clinical testing. Allele origin: germline.
Comment: This sequence change affects an acceptor splice site in intron 4 of the GAA gene. RNA analysis indicates that disruption of this splice site induces altered splicing and may result in an absent or disrupted protein product. This variant is not present in population databases (gnomAD no frequency). Disruption of this splice site has been observed in individual(s) with Pompe disease (PMID: 24269976). Studies have shown that disruption of this splice site results in retention of intron 4 and introduces a premature termination codon (PMID: 24269976). The resulting mRNA is expected to undergo nonsense-mediated decay. In summary, the currently available evidence indicates that the variant is pathogenic, but additional data are needed to prove that conclusively. Therefore, this variant has been classified as Likely Pathogenic.

Revvity Omics, Revvity
Classification: Likely pathogenic. Last evaluated: 2023-09-11. Review status: criteria provided, single submitter. Criteria: ACMG Guidelines, 2015. Collection method: clinical testing. Allele origin: germline.

Literature cited by the submitters: PubMed 24269976 (cited by Labcorp Genetics (formerly Invitae), Labcorp).